The following is an entry in ClinVar:

ClinVar aggregate classification (germline): Uncertain significance (1 of 4 stars; one submission).

Conditions:
KMT2D-related disorder. Also called: KMT2D-Related Disorders.

Submission:

PreventionGenetics, part of Exact Sciences
Classification: Uncertain significance for KMT2D-related condition. Last evaluated: 2023-07-14. Review status: criteria provided, single submitter. Criteria: ACMG Guidelines, 2015. Collection method: clinical testing. Allele origin: germline.
Comment: The KMT2D c.4354_4368del15 variant is predicted to result in an in-frame deletion (p.Tyr1452_Cys1456del). To our knowledge, this variant has not been reported in the literature or in a large population database, indicating this variant is rare. At this time, the clinical significance of this variant is uncertain due to the absence of conclusive functional and genetic evidence.

NM_003482.4(KMT2D):c.4354_4368del (p.Tyr1452_Cys1456del)

Gene: KMT2D (lysine methyltransferase 2D; minus strand). Cytogenetic location: 12q13.12.
Variant type: Deletion.
Coding change: c.4354_4368del on transcript NM_003482.4 (MANE Select); coding-DNA positions 4354 to 4368, 15 bases deleted (TACCACACATACTGC).
Protein change: p.Tyr1452_Cys1456del.
Molecular consequence: inframe deletion. On other transcripts: inframe indel (1).
Genome position (GRCh38, 1-based): chr12:49,046,659-49,046,673, GCAGTATGTGTGGTA deleted on the plus strand (TACCACACATACTGC on the coding strand, the reverse complement: KMT2D is on the minus strand); deleting any 15 consecutive bases within chr12:49,046,659-49,046,675 gives the same sequence; the c. name uses the placement nearest the transcript's 3' end. VCF-style (leftmost placement, unchanged base first): chr12-49046658-GGCAGTATGTGTGGTA-G. GRCh37 (hg19) VCF-style: chr12-49440441-GGCAGTATGTGTGGTA-G.
Other names: c.4354_4368del15 (NM_003482.3).
Identifiers: ClinVar variation 2631681 (VCV002631681.1), dbSNP rs2498429912, ClinGen allele CA2695199080.